The following is an entry in ClinVar:

ClinVar aggregate classification (germline): Likely pathogenic (1 of 4 stars; one submission).

Conditions:
Hereditary pancreatitis (PCTT). Also called: PRSS1-Related Hereditary Pancreatitis; Hereditary chronic pancreatitis. Identifiers: Orphanet 676, MedGen C0238339, MONDO:0008185, OMIM 167800.

Submission:

Labcorp Genetics (formerly Invitae), Labcorp
Classification: Likely pathogenic for Hereditary pancreatitis. Last evaluated: 2018-06-07. Review status: criteria provided, single submitter. Criteria: Invitae Variant Classification Sherloc (09022015). Collection method: clinical testing. Allele origin: germline.
Comment: In summary, the currently available evidence indicates that the variant is pathogenic, but additional data are needed to prove that conclusively. Therefore, this variant has been classified as Likely Pathogenic. Donor and acceptor splice site variants typically lead to a loss of protein function (PMID: 16199547), and loss-of-function variants in CTRC are known to be pathogenic (PMID: 22942235). This variant has not been reported in the literature in individuals with CTRC-related disease. This variant is not present in population databases (ExAC no frequency). This sequence change affects an acceptor splice site in intron 2 of the CTRC gene. It is expected to disrupt RNA splicing and likely results in an absent or disrupted protein product.

Literature cited by the submitters: PubMed 16199547; PubMed 22942235.

NM_007272.3(CTRC):c.133-1G>T

Gene: CTRC (chymotrypsin C; plus strand). Cytogenetic location: 1p36.21.
Variant type: single nucleotide variant.
Coding change: c.133-1G>T on transcript NM_007272.3 (MANE Select); the canonical splice acceptor site of the intron before coding-DNA position 133, G replaced by T.
Molecular consequence: splice acceptor variant.
Genome position (GRCh38, 1-based): chr1:15,440,492, G>T. VCF-style: chr1-15440492-G-T. GRCh37 (hg19) VCF-style: chr1-15766988-G-T.
Identifiers: ClinVar variation 580906 (VCV000580906.7), dbSNP rs1557508272, ClinGen allele CA338564876.